The following is an entry in ClinVar:

NM_130839.5(UBE3A):c.1891C>G (p.Pro631Ala)

Genes: SNHG14 (small nucleolar RNA host gene 14; plus strand), UBE3A (ubiquitin protein ligase E3A; minus strand). Cytogenetic location: 15q11.2.
Variant type: single nucleotide variant.
Coding change: c.1891C>G on transcript NM_130839.5 (MANE Select); coding-DNA position 1891, C replaced by G.
Protein change: p.Pro631Ala; replaces proline 631 with alanine.
Molecular consequence: missense variant. On other transcripts: non-coding transcript variant (1).
Genome position (GRCh38, 1-based): chr15:25,356,759, G>C on the plus strand (C>G on the coding strand, the complement: UBE3A is on the minus strand). VCF-style: chr15-25356759-G-C. GRCh37 (hg19) VCF-style: chr15-25601906-G-C.
Other names: c.1900C>G, p.Pro634Ala (NM_000462.5); c.1891C>G, p.Pro631Ala (NM_001354505.1, NM_001354538.2, NM_001354545.2); c.1831C>G, p.Pro611Ala (NM_001354506.2, NM_001354507.2, NM_001354508.2 and 17 more transcripts); c.1714C>G, p.Pro572Ala (NM_001354546.2); c.640C>G, p.Pro214Ala (NM_001354550.2); c.580C>G, p.Pro194Ala (NM_001354551.2); short protein forms P194A, P214A, P572A, P611A, P631A, P634A.
Identifiers: ClinVar variation 4975943 (VCV004975943.1).

ClinVar aggregate classification (germline): Uncertain significance (1 of 4 stars; one submission).

Submission:

GeneDx
Classification: Uncertain significance. Last evaluated: 2026-02-12. Review status: criteria provided, single submitter. Criteria: GeneDx Variant Classification Process June 2021. Collection method: clinical testing. Allele origin: germline.
Comment: Not observed at significant frequency in large population cohorts (gnomAD); In silico analysis supports that this missense variant has a deleterious effect on protein structure/function; Has not been previously published as pathogenic or benign to our knowledge